The following is an entry in ClinVar:

NM_003070.5(SMARCA2):c.4139C>A (p.Pro1380His)

Gene: SMARCA2 (SWI/SNF related BAF chromatin remodeling complex subunit ATPase 2; plus strand). Cytogenetic location: 9p24.3.
Variant type: single nucleotide variant.
Coding change: c.4139C>A on transcript NM_003070.5 (MANE Select); coding-DNA position 4139, C replaced by A.
Protein change: p.Pro1380His; replaces proline 1380 with histidine.
Molecular consequence: missense variant.
Genome position (GRCh38, 1-based): chr9:2,161,843, C>A. VCF-style: chr9-2161843-C-A. GRCh37 (hg19) VCF-style: chr9-2161843-C-A.
Other names: c.4139C>A, p.Pro1380His (NM_001289396.2, NM_139045.4); c.3965C>A, p.Pro1322His (NM_001289397.2); c.167C>A, p.Pro56His (NM_001289398.2); c.251C>A, p.Pro84His (NM_001289399.2); c.257C>A, p.Pro86His (NM_001289400.2); short protein forms P1322H, P1380H, P56H, P84H, P86H.
Identifiers: ClinVar variation 3376074 (VCV003376074.1).
Genomic context (GRCh38, chr9:2,161,843, plus strand): 5'-ATGTGGAAAAAGCTAAGAAGAGAAGAGGCCGCCCTCCCGCTGAGAAACTGTCACCAAATC[C>A]CCCCAAACTGACAAAGCAGATGAACGCTATCATCGATACTGTGATAAACTACAAAGATAG-3'
Protein context (NP_003061.3, residues 1370-1390): RPPAEKLSPN[Pro1380His]PKLTKQMNAI

ClinVar aggregate classification (germline): Uncertain significance (1 of 4 stars; one submission).

Submission:

GeneDx
Classification: Uncertain significance. Last evaluated: 2024-05-09. Review status: criteria provided, single submitter. Criteria: GeneDx Variant Classification Process June 2021. Collection method: clinical testing. Allele origin: germline. Affected: yes.
Comment: Not observed at significant frequency in large population cohorts (gnomAD); In silico analysis supports that this missense variant has a deleterious effect on protein structure/function; Has not been previously published as pathogenic or benign to our knowledge